The following is an entry in ClinVar:

NM_014956.5(CEP164):c.1506C>T (p.Pro502=)

Gene: CEP164 (centrosomal protein 164; plus strand). Cytogenetic location: 11q23.3.
Variant type: single nucleotide variant.
Coding change: c.1506C>T on transcript NM_014956.5 (MANE Select); coding-DNA position 1506, C replaced by T.
Protein change: p.Pro502=; no amino-acid change (proline 502 retained).
Molecular consequence: synonymous variant.
Genome position (GRCh38, 1-based): chr11:117,381,797, C>T. VCF-style: chr11-117381797-C-T. GRCh37 (hg19) VCF-style: chr11-117252513-C-T.
Other names: c.1506C>T (NM_014956.4); c.1515C>T, p.Pro505= (NM_001271933.2).
Identifiers: ClinVar variation 1135337 (VCV001135337.11), dbSNP rs369224299, ClinGen allele CA6294782.

ClinVar aggregate classification (germline): Likely benign. Review status: criteria provided, multiple submitters, no conflicts (2 of 4 stars). 3 submissions from 3 submitters: Likely benign (3). Last evaluated 2025-08-29.

Conditions:
Nephronophthisis 15 (NPHP15). Identifiers: Orphanet 3156, MedGen C3541853, MONDO:0013917, OMIM 614845.
CEP164-related disorder. Also called: CEP164-related condition.

Allele frequency attached by ClinVar (database versions not stated): TOPMed 0.00003; gnomAD 0.00004 and 0.00005; gnomAD exomes 0.00006; ESP Exome Variant Server 0.00008; ExAC 0.00010.
gnomAD v4.1: 141 of 1,572,306 alleles (0.009%); highest among the groups gnomAD compares: Non-Finnish European, 0.011%; no homozygotes.

Submissions (3):

Labcorp Genetics (formerly Invitae), Labcorp
Classification: Likely benign for Nephronophthisis 15. Last evaluated: 2025-08-29. Review status: criteria provided, single submitter. Criteria: Invitae Variant Classification Sherloc (09022015). Collection method: clinical testing. Allele origin: germline.

PreventionGenetics, part of Exact Sciences
Classification: Likely benign for CEP164-related condition. Last evaluated: 2025-03-18. Review status: criteria provided, single submitter. Criteria: ACMG Guidelines, 2015. Collection method: clinical testing. Allele origin: germline.
Comment: This variant is classified as likely benign based on ACMG/AMP sequence variant interpretation guidelines (Richards et al. 2015 PMID: 25741868, with internal and published modifications).

Blueprint Genetics
Classification: Likely benign. Last evaluated: 2024-10-30. Review status: criteria provided, single submitter. Criteria: ACMG Guidelines, 2015. Collection method: clinical testing. Allele origin: germline.